The following is an entry in ClinVar:

ClinVar aggregate classification (germline): Uncertain significance. Review status: criteria provided, multiple submitters, no conflicts (2 of 4 stars). 3 submissions from 3 submitters: Uncertain significance (2). 1 of the submissions does not count toward it. Last evaluated 2025-05-07.

Conditions:
Inborn genetic diseases. Identifiers: MedGen C0950123, MeSH D030342.
Microcephaly-intellectual disability-sensorineural hearing loss-epilepsy-abnormal muscle tone syndrome (NEDHSB). Also called: NEURODEVELOPMENTAL DISORDER WITH HEARING LOSS, SEIZURES, AND BRAIN ABNORMALITIES. Identifiers: Orphanet 457351, MedGen C4225276, MONDO:0014698, OMIM 616577.

Allele frequency attached by ClinVar (database versions not stated): gnomAD exomes below 0.00001.
gnomAD v4.1: 4 of 1,613,170 alleles (0.00025%); highest among the groups gnomAD compares: Admixed American, 0.0067%; no homozygotes.

Submissions (3):

Ambry Genetics
Classification: Uncertain significance for Inborn genetic diseases. Last evaluated: 2025-05-07. Review status: criteria provided, single submitter. Criteria: Ambry Variant Classification Scheme 2023. Collection method: clinical testing. Allele origin: germline.

Labcorp Genetics (formerly Invitae), Labcorp
Classification: Uncertain significance for Microcephaly-intellectual disability-sensorineural hearing loss-epilepsy-abnormal muscle tone syndrome. Last evaluated: 2021-06-04. Review status: criteria provided, single submitter. Criteria: Invitae Variant Classification Sherloc (09022015). Collection method: clinical testing. Allele origin: germline.
Comment: In summary, the available evidence is currently insufficient to determine the role of this variant in disease. Therefore, it has been classified as a Variant of Uncertain Significance. Algorithms developed to predict the effect of missense changes on protein structure and function output the following: SIFT: "Tolerated"; PolyPhen-2: "Benign"; Align-GVGD: "Class C0". The valine amino acid residue is found in multiple mammalian species, which suggests that this missense change does not adversely affect protein function. ClinVar contains an entry for this variant (Variation ID: 1049827). This variant has not been reported in the literature in individuals affected with SPATA5-related conditions. This variant is not present in population databases (ExAC no frequency). This sequence change replaces alanine with valine at codon 128 of the SPATA5 protein (p.Ala128Val). The alanine residue is moderately conserved and there is a small physicochemical difference between alanine and valine.

Department of Pathology and Laboratory Medicine, Sinai Health System
Classification: Uncertain significance. Review status: no assertion criteria provided. Collection method: clinical testing. Allele origin: unknown. Affected: yes. Study: The Canadian Open Genetics Repository (COGR). Not counted in ClinVar's aggregate classification.
Comment: The SPATA5 p.Ala127Val variant was not identified in the literature nor was it identified in the ClinVar, Cosmic, MutDB or LOVD 3.0 databases. The variant was identified in dbSNP (ID: rs1326756676) and in control databases in 1 of 250266 chromosomes at a frequency of 0.000004 (Genome Aggregation Database Feb 27, 2017). The variant was observed in the following population: Latino in 1 of 34106 chromosomes (freq: 0.000029), but was not observed in the African, Ashkenazi Jewish, East Asian, European (Finnish), European (non-Finnish), Other or South Asian populations. The p.Ala127 residue is not conserved in mammals and computational analyses (PolyPhen-2, SIFT, AlignGVGD, BLOSUM, MutationTaster) do not suggest a high likelihood of impact to the protein; however, this information is not predictive enough to rule out pathogenicity. In summary, based on the above information the clinical significance of this variant cannot be determined with certainty at this time. This variant is classified as a variant of uncertain significance.

NM_145207.3(AFG2A):c.383C>T (p.Ala128Val)

Gene: AFG2A (AAA ATPase AFG2A; plus strand). Cytogenetic location: 4q28.1.
Variant type: single nucleotide variant.
Coding change: c.383C>T on transcript NM_145207.3 (MANE Select); coding-DNA position 383, C replaced by T.
Protein change: p.Ala128Val; replaces alanine 128 with valine.
Molecular consequence: missense variant.
Genome position (GRCh38, 1-based): chr4:122,929,134, C>T. VCF-style: chr4-122929134-C-T. GRCh37 (hg19) VCF-style: chr4-123850289-C-T.
Other names: c.380C>T, p.Ala127Val (NM_001317799.2, NM_001345856.2); c.383C>T (NM_145207.2); short protein forms A127V, A128V.
Identifiers: ClinVar variation 1049827 (VCV001049827.8), dbSNP rs1326756676, ClinGen allele CA358100046.